The following is an entry in ClinVar:

NM_001267550.2(TTN):c.94127dup (p.Tyr31376Ter)

Genes: TTN (titin; minus strand), TTN-AS1 (TTN antisense RNA 1; plus strand). Cytogenetic location: 2q31.2.
Variant type: Duplication.
Coding change: c.94127dup on transcript NM_001267550.2 (MANE Select); coding-DNA position 94127, one base duplicated (A; older notation c.94127dupA).
Protein change: p.Tyr31376Ter; replaces tyrosine 31376 with a stop codon.
Molecular consequence: nonsense.
Genome position (GRCh38, 1-based): chr2:178,547,499, T duplicated on the plus strand (A on the coding strand, the reverse complement: TTN is on the minus strand). VCF-style (leftmost placement, unchanged base first): chr2-178547498-G-GT. GRCh37 (hg19) VCF-style: chr2-179412225-G-GT.
Other names: c.89204dup, p.Tyr29735Ter (NM_001256850.1); c.66932dup, p.Tyr22311Ter (NM_003319.4); c.86423dup, p.Tyr28808Ter (NM_133378.4); c.67307dup, p.Tyr22436Ter (NM_133432.3); c.67508dup, p.Tyr22503Ter (NM_133437.4); c.86423dupA (NM_133378.4); short protein forms Y22311*, Y22436*, Y22503*, Y28808*, Y29735*, Y31376*.
Identifiers: ClinVar variation 2637534 (VCV002637534.1), dbSNP rs2469097290, ClinGen allele CA2695197000.

ClinVar aggregate classification (germline): Pathogenic (1 of 4 stars; one submission).

Conditions:
Autosomal recessive limb-girdle muscular dystrophy type 2J (LGMDR10). Also called: MUSCULAR DYSTROPHY, LIMB-GIRDLE, AUTOSOMAL RECESSIVE 10; Limb-girdle muscular dystrophy, type 2J. Identifiers: Orphanet 140922, MedGen C1837342, MONDO:0012127, OMIM 608807.

Submission:

Women's Health and Genetics/Laboratory Corporation of America, LabCorp
Classification: Pathogenic for Autosomal recessive limb-girdle muscular dystrophy type 2J. Last evaluated: 2023-10-03. Review status: criteria provided, single submitter. Criteria: LabCorp Variant Classification Summary - May 2015. Collection method: clinical testing. Allele origin: germline.
Comment: Variant summary: TTN c.86423dupA (p.Tyr28808X) results in a premature termination codon, predicted to cause a truncation of the encoded protein or absence of the protein due to nonsense mediated decay, which are commonly known mechanisms for disease. The variant was absent in 247110 control chromosomes (gnomAD). To our knowledge, no occurrence of c.86423dupA in individuals affected with Limb-Girdle Muscular Dystrophy, Type 2J and no experimental evidence demonstrating its impact on protein function have been reported. Frameshift and other truncating variants in TTN are strongly associated with DCM if they are located in the exons encoding for the A-band (PMID: 22335739, PMID: 24503780) and/or are located in an exon that is highly expressed in the heart (PMID: 25589632), which is the case for this variant (A band with a PSI score of 100%). No submitters have reported clinical-significance assessments for this variant to ClinVar after 2014. Based on the evidence outlined above, the variant was classified as pathogenic.